The following is an entry in ClinVar:

ClinVar aggregate classification (germline): Benign. Review status: criteria provided, single submitter (1 of 4 stars). 2 submissions from 2 submitters: Benign (1). 1 of the submissions does not count toward it. Last evaluated 2024-12-05.

Conditions:
Kabuki syndrome. Also called: NIIKAWA-KUROKI SYNDROME; Kabuki make-up syndrome. Identifiers: Orphanet 2322, MedGen C0796004, MONDO:0016512.
KMT2D-related disorder. Also called: KMT2D-Related Disorders.

Allele frequency attached by ClinVar (database versions not stated): ESP Exome Variant Server 0.00016; gnomAD 0.00002; TOPMed 0.00003.
gnomAD v4.1: 55 of 1,613,956 alleles (0.0034%); highest among the groups gnomAD compares: Non-Finnish European, 0.0046%; no homozygotes.

Submissions (2):

Labcorp Genetics (formerly Invitae), Labcorp
Classification: Benign for Kabuki syndrome. Last evaluated: 2024-12-05. Review status: criteria provided, single submitter. Criteria: Invitae Variant Classification Sherloc (09022015). Collection method: clinical testing. Allele origin: germline.

PreventionGenetics, part of Exact Sciences
Classification: Uncertain significance for KMT2D-related condition. Last evaluated: 2023-12-06. Review status: no assertion criteria provided. Collection method: clinical testing. Allele origin: germline. Not counted in ClinVar's aggregate classification.
Comment: The KMT2D c.4903C>T variant is predicted to result in the amino acid substitution p.Leu1635Phe. To our knowledge, this variant has not been reported in the literature. This variant is reported in 0.0027% of alleles in individuals of European (Non-Finnish) descent in gnomAD. At this time, the clinical significance of this variant is uncertain due to the absence of conclusive functional and genetic evidence.

NM_003482.4(KMT2D):c.4903C>T (p.Leu1635Phe)

Gene: KMT2D (lysine methyltransferase 2D; minus strand). Cytogenetic location: 12q13.12.
Variant type: single nucleotide variant.
Coding change: c.4903C>T on transcript NM_003482.4 (MANE Select); coding-DNA position 4903, C replaced by T.
Protein change: p.Leu1635Phe; replaces leucine 1635 with phenylalanine.
Molecular consequence: missense variant.
Genome position (GRCh38, 1-based): chr12:49,044,804, G>A on the plus strand (C>T on the coding strand, the complement: KMT2D is on the minus strand). VCF-style: chr12-49044804-G-A. GRCh37 (hg19) VCF-style: chr12-49438587-G-A.
Other names: short protein forms L1635F.
Identifiers: ClinVar variation 841816 (VCV000841816.11), dbSNP rs373445112, ClinGen allele CA6547690.